The following is an entry in ClinVar:

ClinVar aggregate classification (germline): Uncertain significance. Review status: criteria provided, multiple submitters, no conflicts (2 of 4 stars). 3 submissions from 3 submitters: Uncertain significance (3). Last evaluated 2026-01-02.

Conditions:
Hereditary cancer-predisposing syndrome. Also called: Tumor predisposition; Neoplastic Syndromes, Hereditary; Hereditary Cancer Syndrome; Hereditary neoplastic syndrome. Identifiers: Orphanet 140162, MedGen C0027672, MeSH D009386, MONDO:0015356.
Ataxia-telangiectasia syndrome (AT). Also called: LOUIS-BAR SYNDROME; Cerebello-oculocutaneous telangiectasia; Immunodeficiency with ataxia telangiectasia; Ataxia-telangiectasia, complementation group D; AT, COMPLEMENTATION GROUP C; ATAXIA-TELANGIECTASIA, COMPLEMENTATION GROUP A. Identifiers: Orphanet 100, MedGen C0004135, MONDO:0008840, OMIM 208900.

Allele frequency attached by ClinVar (database versions not stated): gnomAD exomes below 0.00001.
gnomAD v4.1: 2 of 1,614,092 alleles (0.00012%); highest among the groups gnomAD compares: South Asian, 0.0011%; no homozygotes.

Submissions (3):

Labcorp Genetics (formerly Invitae), Labcorp
Classification: Uncertain significance for Ataxia-telangiectasia syndrome. Last evaluated: 2026-01-02. Review status: criteria provided, single submitter. Criteria: Invitae Variant Classification Sherloc (09022015). Collection method: clinical testing. Allele origin: germline.
Comment: This sequence change replaces lysine, which is basic and polar, with glutamic acid, which is acidic and polar, at codon 659 of the ATM protein (p.Lys659Glu). This variant is not present in population databases (gnomAD no frequency). This variant has not been reported in the literature in individuals affected with ATM-related conditions. ClinVar contains an entry for this variant (Variation ID: 1783693). Invitae Evidence Modeling of protein sequence and biophysical properties (such as structural, functional, and spatial information, amino acid conservation, physicochemical variation, residue mobility, and thermodynamic stability) indicates that this missense variant is not expected to disrupt ATM protein function with a negative predictive value of 95%. In summary, the available evidence is currently insufficient to determine the role of this variant in disease. Therefore, it has been classified as a Variant of Uncertain Significance.

Color Diagnostics, LLC DBA Color Health
Classification: Uncertain significance for Hereditary cancer-predisposing syndrome. Last evaluated: 2024-03-06. Review status: criteria provided, single submitter. Criteria: ACMG Guidelines, 2015. Collection method: clinical testing. Allele origin: germline.
Comment: This missense variant replaces lysine with glutamic acid at codon 659 of the ATM protein. Computational prediction suggests that this variant may not impact protein structure and function (internally defined REVEL score threshold <= 0.5, PMID: 27666373). To our knowledge, functional studies have not been reported for this variant. This variant has not been reported in individuals affected with hereditary cancer in the literature. This variant has not been identified in the general population by the Genome Aggregation Database (gnomAD). The available evidence is insufficient to determine the role of this variant in disease conclusively. Therefore, this variant is classified as a Variant of Uncertain Significance.

Ambry Genetics
Classification: Uncertain significance for Hereditary cancer-predisposing syndrome. Last evaluated: 2023-12-14. Review status: criteria provided, single submitter. Criteria: Ambry Variant Classification Scheme 2023. Collection method: clinical testing. Allele origin: germline.
Comment: The p.K659E variant (also known as c.1975A>G), located in coding exon 12 of the ATM gene, results from an A to G substitution at nucleotide position 1975. The lysine at codon 659 is replaced by glutamic acid, an amino acid with similar properties. This amino acid position is poorly conserved in available vertebrate species. In addition, this alteration is predicted to be tolerated by in silico analysis. Since supporting evidence is limited at this time, the clinical significance of this alteration remains unclear.

NM_000051.4(ATM):c.1975A>G (p.Lys659Glu)

Gene: ATM (ATM serine/threonine kinase; plus strand). Cytogenetic location: 11q22.3.
Variant type: single nucleotide variant.
Coding change: c.1975A>G on transcript NM_000051.4 (MANE Select); coding-DNA position 1975, A replaced by G.
Protein change: p.Lys659Glu; replaces lysine 659 with glutamic acid.
Molecular consequence: missense variant.
Genome position (GRCh38, 1-based): chr11:108,253,890, A>G. VCF-style: chr11-108253890-A-G. GRCh37 (hg19) VCF-style: chr11-108124617-A-G.
Other names: c.1975A>G, p.Lys659Glu (NM_001351834.2); short protein forms K659E.
Identifiers: ClinVar variation 1783693 (VCV001783693.7), dbSNP rs2135368047, ClinGen allele CA382536852.